The following is an entry in ClinVar:

NM_001277115.2(DNAH11):c.10970T>G (p.Leu3657Arg)

Gene: DNAH11 (dynein axonemal heavy chain 11; plus strand). Cytogenetic location: 7p15.3.
Variant type: single nucleotide variant.
Coding change: c.10970T>G on transcript NM_001277115.2 (MANE Select); coding-DNA position 10970, T replaced by G.
Protein change: p.Leu3657Arg; replaces leucine 3657 with arginine.
Molecular consequence: missense variant.
Genome position (GRCh38, 1-based): chr7:21,852,540, T>G. VCF-style: chr7-21852540-T-G. GRCh37 (hg19) VCF-style: chr7-21892158-T-G.
Other names: short protein forms L3657R.
Identifiers: ClinVar variation 4700024 (VCV004700024.1).

ClinVar aggregate classification (germline): Uncertain significance (1 of 4 stars; one submission).

Conditions:
Primary ciliary dyskinesia. Also called: Ciliary dyskinesia. Identifiers: Orphanet 244, MedGen C0008780, MONDO:0016575, HP:0012265.

Submission:

Labcorp Genetics (formerly Invitae), Labcorp
Classification: Uncertain significance for Primary ciliary dyskinesia. Last evaluated: 2025-04-09. Review status: criteria provided, single submitter. Criteria: Invitae Variant Classification Sherloc (09022015). Collection method: clinical testing. Allele origin: germline.
Comment: This sequence change replaces leucine, which is neutral and non-polar, with arginine, which is basic and polar, at codon 3657 of the DNAH11 protein (p.Leu3657Arg). This variant is not present in population databases (gnomAD no frequency). This variant has not been reported in the literature in individuals affected with DNAH11-related conditions. Invitae Evidence Modeling of protein sequence and biophysical properties (such as structural, functional, and spatial information, amino acid conservation, physicochemical variation, residue mobility, and thermodynamic stability) indicates that this missense variant is expected to disrupt DNAH11 protein function with a positive predictive value of 80%. In summary, the available evidence is currently insufficient to determine the role of this variant in disease. Therefore, it has been classified as a Variant of Uncertain Significance.